The following is an entry in ClinVar:

ClinVar aggregate classification (germline): Pathogenic (1 of 4 stars; one submission).

Conditions:
Developmental and epileptic encephalopathy 94 (DEE94). Also called: CHD2-Related Neurodevelopmental Disorders; Epileptic encephalopathy, childhood-onset. Identifiers: Orphanet 1942, Orphanet 2382, MedGen C3809278, MONDO:0014150, OMIM 615369.

Submission:

Labcorp Genetics (formerly Invitae), Labcorp
Classification: Pathogenic for Developmental and epileptic encephalopathy 94. Last evaluated: 2025-03-09. Review status: criteria provided, single submitter. Criteria: Invitae Variant Classification Sherloc (09022015). Collection method: clinical testing. Allele origin: germline.
Comment: This sequence change creates a premature translational stop signal (p.Ser269*) in the CHD2 gene. It is expected to result in an absent or disrupted protein product. Loss-of-function variants in CHD2 are known to be pathogenic (PMID: 23708187, 24207121). This variant is not present in population databases (gnomAD no frequency). This variant has not been reported in the literature in individuals affected with CHD2-related conditions. ClinVar contains an entry for this variant (Variation ID: 1451807). For these reasons, this variant has been classified as Pathogenic.

Literature cited by the submitters: PubMed 23708187; PubMed 24207121.

NM_001271.4(CHD2):c.806C>G (p.Ser269Ter)

Gene: CHD2 (chromodomain helicase DNA binding protein 2; plus strand). Cytogenetic location: 15q26.1.
Variant type: single nucleotide variant.
Coding change: c.806C>G on transcript NM_001271.4 (MANE Select); coding-DNA position 806, C replaced by G.
Protein change: p.Ser269Ter; replaces serine 269 with a stop codon.
Molecular consequence: nonsense.
Genome position (GRCh38, 1-based): chr15:92,941,935, C>G. VCF-style: chr15-92941935-C-G. GRCh37 (hg19) VCF-style: chr15-93485165-C-G.
Other names: c.806C>G, p.Ser269Ter (NM_001042572.3); short protein forms S269*.
Identifiers: ClinVar variation 1451807 (VCV001451807.6), dbSNP rs2141785162, ClinGen allele CA393901026.